The following is an entry in ClinVar:

NM_021098.3(CACNA1H):c.3090C>A (p.Asp1030Glu)

Gene: CACNA1H (calcium voltage-gated channel subunit alpha1 H; plus strand). Cytogenetic location: 16p13.3.
Variant type: single nucleotide variant.
Coding change: c.3090C>A on transcript NM_021098.3 (MANE Select); coding-DNA position 3090, C replaced by A.
Protein change: p.Asp1030Glu; replaces aspartic acid 1030 with glutamic acid.
Molecular consequence: missense variant.
Genome position (GRCh38, 1-based): chr16:1,207,796, C>A. VCF-style: chr16-1207796-C-A. GRCh37 (hg19) VCF-style: chr16-1257796-C-A.
Other names: c.3090C>A, p.Asp1030Glu (NM_001005407.2); short protein forms D1030E.
Identifiers: ClinVar variation 1704147 (VCV001704147.2), dbSNP rs564292386, ClinGen allele CA394171179.

ClinVar aggregate classification (germline): Uncertain significance (1 of 4 stars; one submission).

Allele frequency attached by ClinVar (database versions not stated): TOPMed below 0.00001.

Submission:

GeneDx
Classification: Uncertain significance. Last evaluated: 2021-06-02. Review status: criteria provided, single submitter. Criteria: GeneDx Variant Classification Process June 2021. Collection method: clinical testing. Allele origin: germline. Affected: yes.
Comment: In silico analysis supports that this missense variant does not alter protein structure/function; Has not been previously published as pathogenic or benign to our knowledge; This variant is associated with the following publications: (PMID: 27535533)